The following is an entry in ClinVar:

NM_001382.4(DPAGT1):c.362G>A (p.Arg121His)

Gene: DPAGT1 (dolichyl-phosphate N-acetylglucosaminephosphotransferase 1; minus strand). Cytogenetic location: 11q23.3.
Variant type: single nucleotide variant.
Coding change: c.362G>A on transcript NM_001382.4 (MANE Select); coding-DNA position 362, G replaced by A.
Protein change: p.Arg121His; replaces arginine 121 with histidine.
Molecular consequence: missense variant.
Genome position (GRCh38, 1-based): chr11:119,100,764, C>T on the plus strand (G>A on the coding strand, the complement: DPAGT1 is on the minus strand). VCF-style: chr11-119100764-C-T. GRCh37 (hg19) VCF-style: chr11-118971474-C-T.
Other names: short protein forms R121H.
Identifiers: ClinVar variation 430323 (VCV000430323.3), dbSNP rs1131691904, ClinGen allele CA382915184.
Genomic context (GRCh38, chr11:119,100,764, plus strand): 5'-AAATAGACCATGAGGAGAGGTAGTGAGGCAGCTGTAGGTAGCAGCAGCTTATGGCGCCAG[C>T]GCAGATTCAGTACATCATCCGCAAAGCCCAGGAAGATCATGCAGCAGATGGCAAGGAGGG-3'
Protein context (NP_001373.2, residues 111-131): LGFADDVLNL[Arg121His]WRHKLLLPTA

ClinVar aggregate classification (germline): Conflicting classifications of pathogenicity. Review status: criteria provided, conflicting classifications (1 of 4 stars). 2 submissions from 2 submitters: Likely pathogenic (1); Uncertain significance (1). Last evaluated 2023-03-15.

Conditions:
DPAGT1-congenital disorder of glycosylation. Also called: CDG Ij; CONGENITAL DISORDER OF GLYCOSYLATION, TYPE Ij; DPAGT1-CDG. Identifiers: Orphanet 86309, MedGen C2931004, MONDO:0011964, OMIM 608093.

Submissions (2):

Department of Pathology and Laboratory Medicine, Sinai Health System
Classification: Uncertain significance for DPAGT1-congenital disorder of glycosylation. Last evaluated: 2023-03-15. Review status: criteria provided, single submitter. Criteria: ACMG Guidelines, 2015. Collection method: research. Allele origin: germline.

GeneDx
Classification: Likely pathogenic. Last evaluated: 2016-02-09. Review status: criteria provided, single submitter. Criteria: GeneDx Variant Classification (06012015). Collection method: clinical testing. Allele origin: germline. Affected: yes.
Comment: The R121H variant has not been published as a pathogenic variant, nor has it been reported as a benign variant to our knowledge. It was not observed in approximately 6,500 individuals of European and African American ancestry in the NHLBI Exome Sequencing Project, indicating it is not a common benign variant in these populations. The R121H variant is a conservative amino acid substitution, which is not likely to impact secondary protein structure as these residues share similar properties. However, this substitution occurs at a position that is conserved across species, and missense variants in nearby residues (V117I, L118V, L120M) have been reported in the Human Gene Mutation Database in association with DPAGT1-related disorders (Stenson et al., 2014). Additionally, in silico analysis predicts this variant is probably damaging to the protein structure/function. Therefore, this variant is likely pathogenic; however, the possibility that it is benign cannot be excluded.